The following is an entry in ClinVar:

NM_002894.3(RBBP8):c.592G>A (p.Val198Met)

Gene: RBBP8 (RB binding protein 8, endonuclease; plus strand). Cytogenetic location: 18q11.2.
Variant type: single nucleotide variant.
Coding change: c.592G>A on transcript NM_002894.3 (MANE Select); coding-DNA position 592, G replaced by A.
Protein change: p.Val198Met; replaces valine 198 with methionine.
Molecular consequence: missense variant.
Genome position (GRCh38, 1-based): chr18:22,982,381, G>A. VCF-style: chr18-22982381-G-A. GRCh37 (hg19) VCF-style: chr18-20562344-G-A.
Other names: c.592G>A, p.Val198Met (NM_203291.2, NM_203292.2); short protein forms V198M.
Identifiers: ClinVar variation 212023 (VCV000212023.11), dbSNP rs781525750, ClinGen allele CA208135.
Genomic context (GRCh38, chr18:22,982,381, plus strand): 5'-AGAAAGGAGAACCCCCATGTCCGATACATAGAACAAACACATACTAAATTGGAGCACTCT[G>A]TGTGTGCAAATGGTAAGAGTTGGAGTTGTATTTTAGTTCTCTGGTTTTGTAAACCAGTGT-3'
Protein context (NP_002885.1, residues 188-208): EQTHTKLEHS[Val198Met]CANEMRKVSK

ClinVar aggregate classification (germline): Uncertain significance. Review status: criteria provided, multiple submitters, no conflicts (2 of 4 stars). 3 submissions from 3 submitters: Uncertain significance (3). Last evaluated 2022-06-23.

Allele frequency attached by ClinVar (database versions not stated): gnomAD exomes 0.00003 and 0.00008; ExAC 0.00004; TOPMed 0.00004.
gnomAD v4.1: 20 of 1,613,954 alleles (0.0012%); highest among the groups gnomAD compares: Admixed American, 0.03%; no homozygotes.

Submissions (3):

Labcorp Genetics (formerly Invitae), Labcorp
Classification: Uncertain significance. Last evaluated: 2022-06-23. Review status: criteria provided, single submitter. Criteria: Invitae Variant Classification Sherloc (09022015). Collection method: clinical testing. Allele origin: germline.
Comment: This sequence change replaces valine, which is neutral and non-polar, with methionine, which is neutral and non-polar, at codon 198 of the RBBP8 protein (p.Val198Met). This variant is present in population databases (rs781525750, gnomAD 0.05%). This variant has not been reported in the literature in individuals affected with RBBP8-related conditions. ClinVar contains an entry for this variant (Variation ID: 212023). Algorithms developed to predict the effect of missense changes on protein structure and function output the following: SIFT: "Tolerated"; PolyPhen-2: "Benign"; Align-GVGD: "Class C0". The methionine amino acid residue is found in multiple mammalian species, which suggests that this missense change does not adversely affect protein function. In summary, the available evidence is currently insufficient to determine the role of this variant in disease. Therefore, it has been classified as a Variant of Uncertain Significance.

GeneDx
Classification: Uncertain significance. Last evaluated: 2021-06-23. Review status: criteria provided, single submitter. Criteria: GeneDx Variant Classification Process June 2021. Collection method: clinical testing. Allele origin: germline. Affected: yes.
Comment: In silico analysis supports that this missense variant does not alter protein structure/function; This variant is associated with the following publications: (PMID: 32379725, 27535533)

Genetic Services Laboratory, University of Chicago
Classification: Uncertain significance. Last evaluated: 2014-06-05. Review status: criteria provided, single submitter. Criteria: ACMG Guidelines, 2015. Collection method: clinical testing. Allele origin: germline.